The following is an entry in ClinVar:

NM_153717.3(EVC):c.2510G>A (p.Gly837Asp)

Gene: EVC (EvC ciliary complex subunit 1; plus strand). Cytogenetic location: 4p16.2.
Variant type: single nucleotide variant.
Coding change: c.2510G>A on transcript NM_153717.3 (MANE Select); coding-DNA position 2510, G replaced by A.
Protein change: p.Gly837Asp; replaces glycine 837 with aspartic acid.
Molecular consequence: missense variant.
Genome position (GRCh38, 1-based): chr4:5,804,790, G>A. VCF-style: chr4-5804790-G-A. GRCh37 (hg19) VCF-style: chr4-5806517-G-A.
Other names: c.2510G>A, p.Gly837Asp (NM_001306090.2); short protein forms G837D.
Identifiers: ClinVar variation 2166838 (VCV002166838.1), dbSNP rs1474071640, ClinGen allele CA356149533.

ClinVar aggregate classification (germline): Uncertain significance (1 of 4 stars; one submission).

Conditions:
Ellis-van Creveld syndrome (EVC). Also called: EVC-Related Ellis-van Creveld Syndrome; EVC2-Related Ellis-van Creveld Syndrome; Chondroectodermal dysplasia; MESOECTODERMAL DYSPLASIA. Identifiers: Orphanet 289, MedGen C0013903, MONDO:0009162, OMIM 225500.
Curry-Hall syndrome (WAD). Also called: WEYERS ACRODENTAL DYSOSTOSIS. Identifiers: Orphanet 952, MedGen C0457013, MONDO:0008673, OMIM 193530.

Allele frequency attached by ClinVar (database versions not stated): gnomAD 0.00001; gnomAD exomes 0.00001.
gnomAD v4.1: 4 of 1,614,038 alleles (0.00025%); highest among the groups gnomAD compares: East Asian, 0.0022%; no homozygotes.

Submission:

Labcorp Genetics (formerly Invitae), Labcorp
Classification: Uncertain significance for Curry-Hall syndrome; Ellis-van Creveld syndrome. Last evaluated: 2022-08-06. Review status: criteria provided, single submitter. Criteria: Invitae Variant Classification Sherloc (09022015). Collection method: clinical testing. Allele origin: germline.
Comment: This sequence change replaces glycine, which is neutral and non-polar, with aspartic acid, which is acidic and polar, at codon 837 of the EVC protein (p.Gly837Asp). This variant is present in population databases (no rsID available, gnomAD 0.06%). This variant has not been reported in the literature in individuals affected with EVC-related conditions. Algorithms developed to predict the effect of missense changes on protein structure and function (SIFT, PolyPhen-2, Align-GVGD) all suggest that this variant is likely to be tolerated. In summary, the available evidence is currently insufficient to determine the role of this variant in disease. Therefore, it has been classified as a Variant of Uncertain Significance.